The following is an entry in ClinVar:

ClinVar aggregate classification (germline): Uncertain significance. Review status: criteria provided, multiple submitters, no conflicts (2 of 4 stars). 2 submissions from 2 submitters: Uncertain significance (2). Last evaluated 2025-05-06.

Conditions:
Inborn genetic diseases. Identifiers: MedGen C0950123, MeSH D030342.

Allele frequency attached by ClinVar (database versions not stated): gnomAD exomes below 0.00001; gnomAD 0.00002; TOPMed 0.00002; ExAC 0.00003; 1000 Genomes Project 30x 0.00016; 1000 Genomes Project 0.00020.
gnomAD v4.1: 7 of 1,599,996 alleles (0.00044%); highest among the groups gnomAD compares: East Asian, 0.0089%; no homozygotes.

Submissions (2):

Ambry Genetics
Classification: Uncertain significance for Inborn genetic diseases. Last evaluated: 2025-05-06. Review status: criteria provided, single submitter. Criteria: Ambry Variant Classification Scheme 2023. Collection method: clinical testing. Allele origin: germline.

Labcorp Genetics (formerly Invitae), Labcorp
Classification: Uncertain significance. Last evaluated: 2024-12-12. Review status: criteria provided, single submitter. Criteria: Invitae Variant Classification Sherloc (09022015). Collection method: clinical testing. Allele origin: germline.
Comment: This sequence change replaces serine, which is neutral and polar, with glycine, which is neutral and non-polar, at codon 424 of the ANKRD26 protein (p.Ser424Gly). This variant is present in population databases (rs375245929, gnomAD 0.03%). This variant has not been reported in the literature in individuals affected with ANKRD26-related conditions. ClinVar contains an entry for this variant (Variation ID: 2886136). An algorithm developed to predict the effect of missense changes on protein structure and function (PolyPhen-2) suggests that this variant is likely to be disruptive. In summary, the available evidence is currently insufficient to determine the role of this variant in disease. Therefore, it has been classified as a Variant of Uncertain Significance.

NM_014915.3(ANKRD26):c.1270A>G (p.Ser424Gly)

Gene: ANKRD26 (ankyrin repeat domain 26; minus strand). Cytogenetic location: 10p12.1.
Variant type: single nucleotide variant.
Coding change: c.1270A>G on transcript NM_014915.3 (MANE Select); coding-DNA position 1270, A replaced by G.
Protein change: p.Ser424Gly; replaces serine 424 with glycine.
Molecular consequence: missense variant.
Genome position (GRCh38, 1-based): chr10:27,064,081, T>C on the plus strand (A>G on the coding strand, the complement: ANKRD26 is on the minus strand). VCF-style: chr10-27064081-T-C. GRCh37 (hg19) VCF-style: chr10-27353010-T-C.
Other names: c.1270A>G, p.Ser424Gly (NM_001256053.2); short protein forms S424G.
Identifiers: ClinVar variation 2886136 (VCV002886136.4), dbSNP rs375245929, ClinGen allele CA5448601.